The following is an entry in ClinVar:

NM_001197104.2(KMT2A):c.7273T>G (p.Ser2425Ala)

Gene: KMT2A (lysine methyltransferase 2A; plus strand). Cytogenetic location: 11q23.3.
Variant type: single nucleotide variant.
Coding change: c.7273T>G on transcript NM_001197104.2 (MANE Select); coding-DNA position 7273, T replaced by G.
Protein change: p.Ser2425Ala; replaces serine 2425 with alanine.
Molecular consequence: missense variant.
Genome position (GRCh38, 1-based): chr11:118,503,165, T>G. VCF-style: chr11-118503165-T-G. GRCh37 (hg19) VCF-style: chr11-118373880-T-G.
Other names: c.7363T>G, p.Ser2455Ala (NM_001412597.1); c.7264T>G, p.Ser2422Ala (NM_005933.4); short protein forms S2425A, S2455A, S2422A.
Identifiers: ClinVar variation 2198471 (VCV002198471.4), dbSNP rs1250223833, ClinGen allele CA382804917.

ClinVar aggregate classification (germline): Uncertain significance (1 of 4 stars; one submission).

Allele frequency attached by ClinVar (database versions not stated): TOPMed below 0.00001; gnomAD 0.00001; gnomAD exomes 0.00001.
gnomAD v4.1: 12 of 1,613,832 alleles (0.00074%); highest among the groups gnomAD compares: Non-Finnish European, 0.001%; no homozygotes.

Submission:

Labcorp Genetics (formerly Invitae), Labcorp
Classification: Uncertain significance. Last evaluated: 2024-01-19. Review status: criteria provided, single submitter. Criteria: Invitae Variant Classification Sherloc (09022015). Collection method: clinical testing. Allele origin: germline.
Comment: This sequence change replaces serine, which is neutral and polar, with alanine, which is neutral and non-polar, at codon 2425 of the KMT2A protein (p.Ser2425Ala). This variant is present in population databases (no rsID available, gnomAD 0.007%). This variant has not been reported in the literature in individuals affected with KMT2A-related conditions. ClinVar contains an entry for this variant (Variation ID: 2198471). Advanced modeling of protein sequence and biophysical properties (such as structural, functional, and spatial information, amino acid conservation, physicochemical variation, residue mobility, and thermodynamic stability) performed at Invitae indicates that this missense variant is not expected to disrupt KMT2A protein function with a negative predictive value of 95%. In summary, the available evidence is currently insufficient to determine the role of this variant in disease. Therefore, it has been classified as a Variant of Uncertain Significance.